The following is an entry in ClinVar:

ClinVar aggregate classification (germline): Likely benign (0 of 4 stars; one submission).

Conditions:
MFHAS1-related disorder. Also called: MFHAS1-related condition.

Submission:

PreventionGenetics, part of Exact Sciences
Classification: Likely benign for MFHAS1-related condition. Last evaluated: 2019-04-26. Review status: no assertion criteria provided. Collection method: clinical testing. Allele origin: germline.
Comment: This variant is classified as likely benign based on ACMG/AMP sequence variant interpretation guidelines (Richards et al. 2015 PMID: 25741868, with internal and published modifications).

NM_004225.3(MFHAS1):c.330C>G (p.Gly110=)

Gene: MFHAS1 (multifunctional ROCO family signaling regulator 1). Cytogenetic location: 8p23.1.
Variant type: single nucleotide variant.
Coding change: c.330C>G on transcript NM_004225.3 (MANE Select); coding-DNA position 330, C replaced by G.
Protein change: p.Gly110=; no amino-acid change (glycine 110 retained).
Molecular consequence: synonymous variant.
Genome position (GRCh38, 1-based): chr8:8,892,729, G>C on the plus strand (C>G on the coding strand, the complement: MFHAS1 is on the minus strand). VCF-style: chr8-8892729-G-C. GRCh37 (hg19) VCF-style: chr8-8750239-G-C.
Identifiers: ClinVar variation 3352896 (VCV003352896.1).